The following is an entry in ClinVar:

ClinVar aggregate classification (germline): Conflicting classifications of pathogenicity. Review status: criteria provided, conflicting classifications (1 of 4 stars). 6 submissions from 6 submitters: Likely pathogenic (3); Uncertain significance (2). 1 of the submissions does not count toward it. Last evaluated 2026-03-25.

Conditions:
Cystic fibrosis (CF). Also called: MUCOVISCIDOSIS. Identifiers: Orphanet 586, MedGen C0010674, MONDO:0009061, OMIM 219700. Disease mechanism: loss of function.
CFTR-related disorder (CFTR-RD). Also called: CFTR-related disorders; CFTR-related condition. Identifiers: MedGen C5924204, MONDO:7770004.
Congenital bilateral aplasia of vas deferens from CFTR mutation (CBAVD). Identifiers: Orphanet 48, MedGen C0403814, MONDO:0010178, OMIM 277180. Disease mechanism: loss of function.
Hereditary pancreatitis (PCTT). Also called: PRSS1-Related Hereditary Pancreatitis; Hereditary chronic pancreatitis. Identifiers: Orphanet 676, MedGen C0238339, MONDO:0008185, OMIM 167800.
Bronchiectasis with or without elevated sweat chloride 1 (BESC1). Also called: Cystic Fibrosis-Like Syndrome. Identifiers: Orphanet 60033, MedGen C2749757, MONDO:0008887, OMIM 211400.

Allele frequency attached by ClinVar (database versions not stated): ExAC 0.00003.
gnomAD v4.1: 3 of 1,613,762 alleles (0.00019%); highest among the groups gnomAD compares: East Asian, 0.0045%; no homozygotes.

Submissions (6):

Ambry Genetics
Classification: Uncertain significance for Cystic fibrosis. Last evaluated: 2026-03-25. Review status: criteria provided, single submitter. Criteria: Ambry Variant Classification Scheme 2023. Collection method: clinical testing. Allele origin: germline.
Comment: The p.T1478R variant (also known as c.4433C>G), located in coding exon 27 of the CFTR gene, results from a C to G substitution at nucleotide position 4433. The threonine at codon 1478 is replaced by arginine, an amino acid with similar properties. This variant has been identified in the homozygous state and/or in conjunction with other CFTR variant(s) in individual(s) with congenital absence of the vas deferens, as well as an infant with a positive cystic fibrosis newborn screen (Prach L et al. J Mol Diagn, 2013 Sep;15:710-22; Yang X et al. Fertil Steril, 2015 Nov;104:1268-75.e1-2; Pagin A et al. PLoS One, 2016 Feb;11:e0149426; Luo S et al. Gene, 2021 Jan;765:145045). This amino acid position is highly conserved in available vertebrate species. In addition, this alteration is predicted to be deleterious by in silico analysis. Based on the available evidence, the clinical significance of this variant remains unclear.

Women's Health and Genetics/Laboratory Corporation of America, LabCorp
Classification: Uncertain significance. Last evaluated: 2026-03-18. Review status: criteria provided, single submitter. Criteria: LabCorp Variant Classification Summary - May 2015. Collection method: clinical testing. Allele origin: germline.
Comment: Variant summary: CFTR c.4433C>G (p.Thr1478Arg) results in a non-conservative amino acid change in the encoded protein sequence. Algorithms developed to predict the effect of missense changes on protein structure and function all suggest that this variant is likely to be disruptive. The variant allele was found at a frequency of 1.9e-06 in 1613762 control chromosomes. c.4433C>G has been observed in individuals affected with Congenital Absence Of The Vas Deferens (e.g. Yang_2015, Pagin_2016, Luo_2021) and in an individual with an abnormal newborn screening result described as having CFTR-related metabolic syndrome (Prach_2013). These data indicate that the variant is likely to be associated with disease. To our knowledge, no experimental evidence demonstrating an impact on protein function has been reported. The following publications have been ascertained in the context of this evaluation (PMID: 32777524, 26900683, 23810505, 26277102, 35913788, 40065563). ClinVar contains an entry for this variant (Variation ID: 824887). Based on the evidence outlined above, the variant was classified as VUS-possibly pathogenic.

Victorian Clinical Genetics Services, Murdoch Childrens Research Institute
Classification: Likely pathogenic for Cystic fibrosis. Last evaluated: 2025-10-25. Review status: criteria provided, single submitter. Criteria: ACMG Guidelines, 2015. Collection method: clinical testing. Allele origin: germline.
Comment: This variant is classified as Likely pathogenic. Evidence in support of pathogenic classification: Variant is present in gnomAD <0.01 for a recessive condition (v2: 2 heterozygote(s), 1 homozygote(s)). Additional information: Variant is predicted to result in a missense amino acid change from Thr to Arg; This variant is heterozygous; This gene is associated with autosomal recessive disease; Previous reports of pathogenicity for this variant are conflicting. This variant has been classified as likely pathogenic and a variant of uncertain significance by clinical laboratories in ClinVar; Variant is not located in an established domain, motif, hotspot or informative constraint region; Missense variant with inconclusive in silico prediction and uninformative conservation; Loss of function is a known mechanism of disease in this gene.

Labcorp Genetics (formerly Invitae), Labcorp
Classification: Likely pathogenic for Cystic fibrosis. Last evaluated: 2025-07-30. Review status: criteria provided, single submitter. Criteria: Invitae Variant Classification Sherloc (09022015). Collection method: clinical testing. Allele origin: germline.
Comment: This sequence change replaces threonine, which is neutral and polar, with arginine, which is basic and polar, at codon 1478 of the CFTR protein (p.Thr1478Arg). This variant is present in population databases (rs753173837, gnomAD 0.006%). This missense change has been observed in individuals with congenital absence of the vas deferens (PMID: 26277102, 32777524). ClinVar contains an entry for this variant (Variation ID: 824887). Invitae Evidence Modeling of protein sequence and biophysical properties (such as structural, functional, and spatial information, amino acid conservation, physicochemical variation, residue mobility, and thermodynamic stability) indicates that this missense variant is expected to disrupt CFTR protein function with a positive predictive value of 95%. In summary, the currently available evidence indicates that the variant is pathogenic, but additional data are needed to prove that conclusively. Therefore, this variant has been classified as Likely Pathogenic.

Juno Genomics, Hangzhou Juno Genomics, Inc
Classification: Likely pathogenic for Bronchiectasis with or without elevated sweat chloride 1; Hereditary pancreatitis; Congenital bilateral aplasia of vas deferens from CFTR mutation; Cystic fibrosis. Review status: criteria provided, single submitter. Criteria: ACMG Guidelines, 2015. Collection method: clinical testing. Allele origin: germline.
Comment: Absent from controls (or at extremely low frequency if recessive) in Genome Aggregation Database.;For recessive disorders, detected in trans with a pathogenic variant.;Patient's phenotype or family history is highly specific for a disease with a single genetic etiology.

Natera, Inc.
Classification: Uncertain significance for CFTR-related disorders. Last evaluated: 2021-06-07. Review status: no assertion criteria provided. Collection method: clinical testing. Allele origin: germline. Not counted in ClinVar's aggregate classification.

Literature cited by the submitters: PubMed 23810505 (cited by Ambry Genetics and Women's Health and Genetics/Laboratory Corporation of America, LabCorp); PubMed 26277102 (cited by 3 submitters); PubMed 26900683 (cited by Ambry Genetics and Women's Health and Genetics/Laboratory Corporation of America, LabCorp); PubMed 32777524 (cited by 3 submitters); PubMed 35913788 (cited by Women's Health and Genetics/Laboratory Corporation of America, LabCorp); PubMed 40065563 (cited by Women's Health and Genetics/Laboratory Corporation of America, LabCorp).

NM_000492.4(CFTR):c.4433C>G (p.Thr1478Arg)

Genes: CFTR (CF transmembrane conductance regulator; plus strand), LOC111674477 (CFTR intron 23 enhancer; plus strand). Cytogenetic location: 7q31.2.
Variant type: single nucleotide variant.
Coding change: c.4433C>G on transcript NM_000492.4 (MANE Select); coding-DNA position 4433, C replaced by G.
Protein change: p.Thr1478Arg; replaces threonine 1478 with arginine.
Molecular consequence: missense variant.
Genome position (GRCh38, 1-based): chr7:117,667,098, C>G. VCF-style: chr7-117667098-C-G. GRCh37 (hg19) VCF-style: chr7-117307152-C-G.
Other names: short protein forms T1478R.
Identifiers: ClinVar variation 824887 (VCV000824887.16), dbSNP rs753173837, ClinGen allele CA4451708.